The following is an entry in ClinVar:

ClinVar aggregate classification (germline): Uncertain significance (1 of 4 stars; one submission).

Conditions:
SEMA6A-Related Disorder.

Submission:

Daryl Scott Lab, Baylor College of Medicine
Classification: Uncertain significance for SEMA6A-Related Disorder. Review status: criteria provided, single submitter. Criteria: ACMG Guidelines, 2015. Collection method: clinical testing. Allele origin: maternal. Affected: yes. Observed: 1 heterozygote.
Comment: PVS1, PM2

NM_020796.5(SEMA6A):c.1254C>G (p.Tyr418Ter)

Gene: SEMA6A (semaphorin 6A; minus strand). Cytogenetic location: 5q23.1.
Variant type: single nucleotide variant.
Coding change: c.1254C>G on transcript NM_020796.5 (MANE Select); coding-DNA position 1254, C replaced by G.
Protein change: p.Tyr418Ter; replaces tyrosine 418 with a stop codon.
Molecular consequence: nonsense.
Genome position (GRCh38, 1-based): chr5:116,478,715, G>C on the plus strand (C>G on the coding strand, the complement: SEMA6A is on the minus strand). VCF-style: chr5-116478715-G-C. GRCh37 (hg19) VCF-style: chr5-115814411-G-C.
Other names: c.1254C>G, p.Tyr418Ter (NM_001300780.2); short protein forms Y418*.
Identifiers: ClinVar variation 4851621 (VCV004851621.1).